The following is an entry in ClinVar:

NM_024675.4(PALB2):c.1682A>G (p.Lys561Arg)

Gene: PALB2 (partner and localizer of BRCA2; minus strand). Cytogenetic location: 16p12.2.
Variant type: single nucleotide variant.
Coding change: c.1682A>G on transcript NM_024675.4 (MANE Select); coding-DNA position 1682, A replaced by G.
Protein change: p.Lys561Arg; replaces lysine 561 with arginine.
Molecular consequence: missense variant. On other transcripts: intron variant (3).
Genome position (GRCh38, 1-based): chr16:23,634,864, T>C on the plus strand (A>G on the coding strand, the complement: PALB2 is on the minus strand). VCF-style: chr16-23634864-T-C. GRCh37 (hg19) VCF-style: chr16-23646185-T-C.
Other names: c.1622A>G, p.Lys541Arg (NM_001407296.1); c.1682A>G, p.Lys561Arg (NM_001407297.1, NM_001407298.1, NM_001407299.1 and 3 more transcripts); c.797A>G, p.Lys266Arg (NM_001407304.1, NM_001407305.1, NM_001407306.1 and 5 more transcripts); c.49-5589A>G (NM_001407314.1); c.-104-4395A>G (NM_001407313.1, NM_001407312.1); short protein forms K266R, K541R, K561R.
Identifiers: ClinVar variation 4723466 (VCV004723466.1).
Genomic context (GRCh38, chr16:23,634,864, plus strand): 5'-ATAGTAATTGTTAACTTTCATCATCATCATCATCATCATCAAACACATCTTGATTTACCT[T>C]TCACTTGAATAAATAATTTTTCGTGCTGATATTTGTGTGAGGTGACTTCTTCCTTGGACC-3'
Protein context (NP_078951.2, residues 551-571): YQHEKLFIQV[Lys561Arg]GKKSRHQKED

ClinVar aggregate classification (germline): Uncertain significance (1 of 4 stars; one submission).

Conditions:
Familial cancer of breast. Also called: hereditary breast carcinoma; BREAST CANCER, FAMILIAL; Hereditary breast cancer. Identifiers: Orphanet 227535, MedGen C0346153, MONDO:0016419, OMIM 114480. Disease mechanism: loss of function.

Submission:

Labcorp Genetics (formerly Invitae), Labcorp
Classification: Uncertain significance for Familial cancer of breast. Last evaluated: 2025-07-19. Review status: criteria provided, single submitter. Criteria: Invitae Variant Classification Sherloc (09022015). Collection method: clinical testing. Allele origin: germline.
Comment: This sequence change replaces lysine, which is basic and polar, with arginine, which is basic and polar, at codon 561 of the PALB2 protein (p.Lys561Arg). This variant is not present in population databases (gnomAD no frequency). This variant has not been reported in the literature in individuals affected with PALB2-related conditions. An algorithm developed to predict the effect of missense changes on protein structure and function (PolyPhen-2) suggests that this variant is likely to be tolerated. In summary, the available evidence is currently insufficient to determine the role of this variant in disease. Therefore, it has been classified as a Variant of Uncertain Significance.